The following is an entry in ClinVar:

ClinVar aggregate classification (germline): Uncertain significance. Review status: criteria provided, multiple submitters, no conflicts (2 of 4 stars). 3 submissions from 3 submitters: Uncertain significance (3). Last evaluated 2025-12-13.

Conditions:
Hereditary cancer-predisposing syndrome. Also called: Neoplastic Syndromes, Hereditary; Tumor predisposition; Hereditary neoplastic syndrome; Hereditary Cancer Syndrome. Identifiers: Orphanet 140162, MedGen C0027672, MeSH D009386, MONDO:0015356.

Allele frequency attached by ClinVar (database versions not stated): gnomAD exomes below 0.00001; TOPMed below 0.00001.
gnomAD v4.1: 1 of 1,614,118 alleles (0.000062%); highest among the groups gnomAD compares: Non-Finnish European, 0.000085%; no homozygotes.

Submissions (3):

Ambry Genetics
Classification: Uncertain significance for Hereditary cancer-predisposing syndrome. Last evaluated: 2025-12-13. Review status: criteria provided, single submitter. Criteria: Ambry Variant Classification Scheme 2023. Collection method: clinical testing. Allele origin: germline.
Comment: The p.A863V variant (also known as c.2588C>T), located in coding exon 17 of the CTNNA1 gene, results from a C to T substitution at nucleotide position 2588. The alanine at codon 863 is replaced by valine, an amino acid with similar properties. This amino acid position is highly conserved in available vertebrate species. In addition, the in silico prediction for this alteration is inconclusive. Based on the available evidence, the clinical significance of this variant remains unclear.

Labcorp Genetics (formerly Invitae), Labcorp
Classification: Uncertain significance. Last evaluated: 2025-09-13. Review status: criteria provided, single submitter. Criteria: Invitae Variant Classification Sherloc (09022015). Collection method: clinical testing. Allele origin: germline.
Comment: This sequence change replaces alanine, which is neutral and non-polar, with valine, which is neutral and non-polar, at codon 863 of the CTNNA1 protein (p.Ala863Val). This variant is not present in population databases (gnomAD no frequency). This variant has not been reported in the literature in individuals affected with CTNNA1-related conditions. ClinVar contains an entry for this variant (Variation ID: 951055). Invitae Evidence Modeling of protein sequence and biophysical properties (such as structural, functional, and spatial information, amino acid conservation, physicochemical variation, residue mobility, and thermodynamic stability) indicates that this missense variant is not expected to disrupt CTNNA1 protein function with a negative predictive value of 80%. RNA analysis performed to evaluate the impact of this missense change on mRNA splicing indicates it does not significantly alter splicing (internal data). In summary, the available evidence is currently insufficient to determine the role of this variant in disease. Therefore, it has been classified as a Variant of Uncertain Significance.

Blueprint Genetics
Classification: Uncertain significance. Last evaluated: 2022-03-28. Review status: criteria provided, single submitter. Criteria: ACMG Guidelines, 2015. Collection method: clinical testing. Allele origin: germline.

NM_001903.5(CTNNA1):c.2588C>T (p.Ala863Val)

Gene: CTNNA1 (catenin alpha 1; plus strand). Cytogenetic location: 5q31.2.
Variant type: single nucleotide variant.
Coding change: c.2588C>T on transcript NM_001903.5 (MANE Select); coding-DNA position 2588, C replaced by T.
Protein change: p.Ala863Val; replaces alanine 863 with valine.
Molecular consequence: missense variant. On other transcripts: 3 prime UTR variant (5).
Genome position (GRCh38, 1-based): chr5:138,933,956, C>T. VCF-style: chr5-138933956-C-T. GRCh37 (hg19) VCF-style: chr5-138269645-C-T.
Other names: c.1478C>T, p.Ala493Val (NM_001324000.1, NM_001290312.1, NM_001323987.1 and 12 more transcripts); c.1343C>T, p.Ala448Val (NM_001324001.1); c.*133C>T (NM_001324002.1, NM_001324003.1, NM_001324004.1 and 2 more transcripts); c.1139C>T, p.Ala380Val (NM_001324006.1, NM_001324007.1, NM_001324008.1 and 2 more transcripts); c.2279C>T, p.Ala760Val (NM_001290309.3); c.2219C>T, p.Ala740Val (NM_001290310.3); c.2588C>T, p.Ala863Val (NM_001323982.2, NM_001323983.1, NM_001323984.2); c.2561C>T, p.Ala854Val (NM_001323985.2); and 4 more; short protein forms A412V, A832V, A462V, A448V, A493V, A740V, A760V, A854V.
Identifiers: ClinVar variation 951055 (VCV000951055.11), dbSNP rs1325475536, ClinGen allele CA361135547.